The following is an entry in ClinVar:

NM_001040108.2(MLH3):c.652G>A (p.Gly218Arg)

Gene: MLH3 (mutL homolog 3; minus strand). Cytogenetic location: 14q24.3.
Variant type: single nucleotide variant.
Coding change: c.652G>A on transcript NM_001040108.2 (MANE Select); coding-DNA position 652, G replaced by A.
Protein change: p.Gly218Arg; replaces glycine 218 with arginine.
Molecular consequence: missense variant.
Genome position (GRCh38, 1-based): chr14:75,049,004, C>T on the plus strand (G>A on the coding strand, the complement: MLH3 is on the minus strand). VCF-style: chr14-75049004-C-T. GRCh37 (hg19) VCF-style: chr14-75515707-C-T.
Other names: c.652G>A, p.Gly218Arg (NM_014381.3); short protein forms G218R.
Identifiers: ClinVar variation 3295175 (VCV003295175.1).

ClinVar aggregate classification (germline): Uncertain significance (1 of 4 stars; one submission).

Submission:

Ambry Genetics
Classification: Uncertain significance. Last evaluated: 2024-06-24. Review status: criteria provided, single submitter. Criteria: Ambry Variant Classification Scheme 2023. Collection method: clinical testing. Allele origin: germline.
Comment: The p.G218R variant (also known as c.652G>A), located in coding exon 1 of the MLH3 gene, results from a G to A substitution at nucleotide position 652. The glycine at codon 218 is replaced by arginine, an amino acid with dissimilar properties. This amino acid position is conserved. In addition, this alteration is predicted to be tolerated by in silico analysis. Based on the available evidence, the clinical significance of this variant remains unclear.